The following is an entry in ClinVar:

ClinVar aggregate classification (germline): Uncertain significance. Review status: criteria provided, multiple submitters, no conflicts (2 of 4 stars). 4 submissions from 4 submitters: Uncertain significance (4). Last evaluated 2025-07-12.

Conditions:
Wolman disease (WOLD). Also called: Wolman disease, CESD; LYSOSOMAL ACID LIPASE DEFICIENCY, ACUTE INFANTILE; LYSOSOMAL ACID LIPASE DEFICIENCY, COMPLETE; LIPA DEFICIENCY, COMPLETE; LAL DEFICIENCY, COMPLETE; CHOLESTEROL ESTER HYDROLASE DEFICIENCY, COMPLETE. Identifiers: Orphanet 75233, MedGen C0043208, MONDO:0019148, OMIM 620151.
LIPA-related disorder. Also called: LIPA-related condition; LIPA-related disorders.
Cardiovascular phenotype. Identifiers: MedGen CN230736.

Allele frequency attached by ClinVar (database versions not stated): ExAC 0.00002; TOPMed 0.00004.
gnomAD v4.1: 161 of 1,613,698 alleles (0.01%); highest among the groups gnomAD compares: Non-Finnish European, 0.013%; no homozygotes.

Submissions (4):

Ambry Genetics
Classification: Uncertain significance for Cardiovascular phenotype. Last evaluated: 2025-07-12. Review status: criteria provided, single submitter. Criteria: Ambry Variant Classification Scheme 2023. Collection method: clinical testing. Allele origin: germline.
Comment: The p.H250P variant (also known as c.749A>C), located in coding exon 6 of the LIPA gene, results from an A to C substitution at nucleotide position 749. The histidine at codon 250 is replaced by proline, an amino acid with similar properties. This amino acid position is not well conserved in available vertebrate species. In addition, the in silico prediction for this alteration is inconclusive. Since supporting evidence is limited at this time, the clinical significance of this alteration remains unclear.

PreventionGenetics, part of Exact Sciences
Classification: Uncertain significance for LIPA-related condition. Last evaluated: 2025-01-15. Review status: criteria provided, single submitter. Criteria: ACMG Guidelines, 2015. Collection method: clinical testing. Allele origin: germline.
Comment: The LIPA c.749A>C variant is predicted to result in the amino acid substitution p.His250Pro. To our knowledge, this variant has not been reported in the literature. This variant is reported in 0.0054% of alleles in individuals of European (Non-Finnish) descent in gnomAD. At this time, the clinical significance of this variant is uncertain due to the absence of conclusive functional and genetic evidence.

Labcorp Genetics (formerly Invitae), Labcorp
Classification: Uncertain significance for Wolman disease. Last evaluated: 2024-10-16. Review status: criteria provided, single submitter. Criteria: Invitae Variant Classification Sherloc (09022015). Collection method: clinical testing. Allele origin: germline.
Comment: This sequence change replaces histidine, which is basic and polar, with proline, which is neutral and non-polar, at codon 250 of the LIPA protein (p.His250Pro). This variant is present in population databases (rs747792993, gnomAD 0.006%). This variant has not been reported in the literature in individuals affected with LIPA-related conditions. ClinVar contains an entry for this variant (Variation ID: 500824). Invitae Evidence Modeling of protein sequence and biophysical properties (such as structural, functional, and spatial information, amino acid conservation, physicochemical variation, residue mobility, and thermodynamic stability) indicates that this missense variant is not expected to disrupt LIPA protein function with a negative predictive value of 95%. In summary, the available evidence is currently insufficient to determine the role of this variant in disease. Therefore, it has been classified as a Variant of Uncertain Significance.

Eurofins Ntd Llc (ga)
Classification: Uncertain significance. Last evaluated: 2017-03-14. Review status: criteria provided, single submitter. Criteria: EGL Classification Definitions 2015. Collection method: clinical testing. Allele origin: germline. Observed: 1 variant allele, 1 heterozygote.

NM_000235.4(LIPA):c.749A>C (p.His250Pro)

Gene: LIPA (lipase A, lysosomal acid type; minus strand). Cytogenetic location: 10q23.31.
Variant type: single nucleotide variant.
Coding change: c.749A>C on transcript NM_000235.4 (MANE Select); coding-DNA position 749, A replaced by C.
Protein change: p.His250Pro; replaces histidine 250 with proline.
Molecular consequence: missense variant.
Genome position (GRCh38, 1-based): chr10:89,223,757, T>G on the plus strand (A>C on the coding strand, the complement: LIPA is on the minus strand). VCF-style: chr10-89223757-T-G. GRCh37 (hg19) VCF-style: chr10-90983514-T-G.
Other names: c.749A>C (NM_000235.3, NM_000235.2); c.749A>C, p.His250Pro (NM_001127605.3); c.401A>C, p.His134Pro (NM_001288979.2); short protein forms H250P, H134P.
Identifiers: ClinVar variation 500824 (VCV000500824.13), dbSNP rs747792993, ClinGen allele CA5593622.